The following is an entry in ClinVar:

NM_138694.4(PKHD1):c.3406T>A (p.Tyr1136Asn)

Gene: PKHD1 (PKHD1 ciliary IPT domain containing fibrocystin/polyductin; minus strand). Cytogenetic location: 6p12.2.
Variant type: single nucleotide variant.
Coding change: c.3406T>A on transcript NM_138694.4 (MANE Select); coding-DNA position 3406, T replaced by A.
Protein change: p.Tyr1136Asn; replaces tyrosine 1136 with asparagine.
Molecular consequence: missense variant.
Genome position (GRCh38, 1-based): chr6:52,028,310, A>T on the plus strand (T>A on the coding strand, the complement: PKHD1 is on the minus strand). VCF-style: chr6-52028310-A-T. GRCh37 (hg19) VCF-style: chr6-51893108-A-T.
Other names: c.3406T>A, p.Tyr1136Asn (NM_170724.3); short protein forms Y1136N.
Identifiers: ClinVar variation 2117300 (VCV002117300.2), dbSNP rs369489244, ClinGen allele CA3852948.

ClinVar aggregate classification (germline): Uncertain significance. Review status: criteria provided, multiple submitters, no conflicts (2 of 4 stars). 2 submissions from 2 submitters: Uncertain significance (2). Last evaluated 2022-12-06.

Conditions:
Inborn genetic diseases. Identifiers: MedGen C0950123, MeSH D030342.
Autosomal recessive polycystic kidney disease (ARPKD). Also called: AR polycystic kidney disease. Identifiers: Orphanet 731, Orphanet 8378, MedGen C0085548, MeSH D017044, MONDO:0009889.

Allele frequency attached by ClinVar (database versions not stated): ExAC 0.00002; gnomAD 0.00005; TOPMed 0.00007; ESP Exome Variant Server 0.00008.
gnomAD v4.1: 29 of 1,613,954 alleles (0.0018%); highest among the groups gnomAD compares: Admixed American, 0.013%; no homozygotes.

Submissions (2):

Ambry Genetics
Classification: Uncertain significance for Inborn genetic diseases. Last evaluated: 2022-12-06. Review status: criteria provided, single submitter. Criteria: Ambry Variant Classification Scheme 2023. Collection method: clinical testing. Allele origin: germline.

Labcorp Genetics (formerly Invitae), Labcorp
Classification: Uncertain significance for Autosomal recessive polycystic kidney disease. Last evaluated: 2022-02-21. Review status: criteria provided, single submitter. Criteria: Invitae Variant Classification Sherloc (09022015). Collection method: clinical testing. Allele origin: germline.
Comment: This sequence change replaces tyrosine, which is neutral and polar, with asparagine, which is neutral and polar, at codon 1136 of the PKHD1 protein (p.Tyr1136Asn). This variant is present in population databases (rs369489244, gnomAD 0.007%). This variant has not been reported in the literature in individuals affected with PKHD1-related conditions. Advanced modeling of protein sequence and biophysical properties (such as structural, functional, and spatial information, amino acid conservation, physicochemical variation, residue mobility, and thermodynamic stability) performed at Invitae indicates that this missense variant is not expected to disrupt PKHD1 protein function. In summary, the available evidence is currently insufficient to determine the role of this variant in disease. Therefore, it has been classified as a Variant of Uncertain Significance.